The following is an entry in ClinVar:

ClinVar aggregate classification (germline): Uncertain significance (1 of 4 stars; one submission).

Conditions:
Neutral lipid storage myopathy (NLSDM). Also called: NEUTRAL LIPID STORAGE DISEASE WITHOUT ICHTHYOSIS. Identifiers: Orphanet 98908, MedGen C1853136, MONDO:0012545, OMIM 610717.

gnomAD v4.1: 6 of 1,559,120 alleles (0.00038%); highest among the groups gnomAD compares: Non-Finnish European, 0.00052%; no homozygotes.

Submission:

Labcorp Genetics (formerly Invitae), Labcorp
Classification: Uncertain significance for Neutral lipid storage myopathy. Last evaluated: 2022-11-01. Review status: criteria provided, single submitter. Criteria: Invitae Variant Classification Sherloc (09022015). Collection method: clinical testing. Allele origin: germline.
Comment: This sequence change replaces valine, which is neutral and non-polar, with leucine, which is neutral and non-polar, at codon 402 of the PNPLA2 protein (p.Val402Leu). The frequency data for this variant in the population databases is considered unreliable, as metrics indicate poor data quality at this position in the gnomAD database. This variant has not been reported in the literature in individuals affected with PNPLA2-related conditions. ClinVar contains an entry for this variant (Variation ID: 1461424). Algorithms developed to predict the effect of missense changes on protein structure and function (SIFT, PolyPhen-2, Align-GVGD) all suggest that this variant is likely to be tolerated. In summary, the available evidence is currently insufficient to determine the role of this variant in disease. Therefore, it has been classified as a Variant of Uncertain Significance.

NM_020376.4(PNPLA2):c.1204G>C (p.Val402Leu)

Gene: PNPLA2 (patatin like domain 2, triacylglycerol lipase; plus strand). Cytogenetic location: 11p15.5.
Variant type: single nucleotide variant.
Coding change: c.1204G>C on transcript NM_020376.4 (MANE Select); coding-DNA position 1204, G replaced by C.
Protein change: p.Val402Leu; replaces valine 402 with leucine.
Molecular consequence: missense variant.
Genome position (GRCh38, 1-based): chr11:824,551, G>C. VCF-style: chr11-824551-G-C. GRCh37 (hg19) VCF-style: chr11-824551-G-C.
Other names: short protein forms V402L.
Identifiers: ClinVar variation 1461424 (VCV001461424.3), dbSNP rs143718036, ClinGen allele CA378984356.